The following is an entry in ClinVar:

NM_001395460.1(TENM2):c.1038G>A (p.Thr346=)

Gene: TENM2 (teneurin transmembrane protein 2; plus strand). Cytogenetic location: 5q34.
Variant type: single nucleotide variant.
Coding change: c.1038G>A on transcript NM_001395460.1 (MANE Select); coding-DNA position 1038, G replaced by A.
Protein change: p.Thr346=; no amino-acid change (threonine 346 retained).
Molecular consequence: synonymous variant.
Genome position (GRCh38, 1-based): chr5:167,993,034, G>A. VCF-style: chr5-167993034-G-A. GRCh37 (hg19) VCF-style: chr5-167420039-G-A.
Other names: c.465G>A, p.Thr155= (NM_001080428.3); c.1038G>A, p.Thr346= (NM_001122679.2); c.582G>A, p.Thr194= (NM_001368145.1, NM_001368146.1).
Identifiers: ClinVar variation 2656026 (VCV002656026.24), dbSNP rs200992047, ClinGen allele CA3546651.

ClinVar aggregate classification (germline): Likely benign (1 of 4 stars; one submission).

Allele frequency attached by ClinVar (database versions not stated): ESP Exome Variant Server 0.00017; gnomAD 0.00026; TOPMed 0.00029.
gnomAD v4.1: 388 of 1,613,748 alleles (0.024%); highest among the groups gnomAD compares: Middle Eastern, 0.016%; 2 homozygotes.

Submission:

CeGaT Center for Human Genetics Tuebingen
Classification: Likely benign. Last evaluated: 2022-04-01. Review status: criteria provided, single submitter. Criteria: CeGaT Center For Human Genetics Tuebingen Variant Classification Criteria Version 2. Collection method: clinical testing. Allele origin: germline. Affected: yes. Observed: 1 variant allele.
Comment: TENM2: BP4, BP7